The following is an entry in ClinVar:

NM_033380.3(COL4A5):c.4223C>G (p.Thr1408Ser)

Gene: COL4A5 (collagen type IV alpha 5 chain; plus strand). Cytogenetic location: Xq22.3.
Variant type: single nucleotide variant.
Coding change: c.4223C>G on transcript NM_033380.3 (MANE Select); coding-DNA position 4223, C replaced by G.
Protein change: p.Thr1408Ser; replaces threonine 1408 with serine.
Molecular consequence: missense variant.
Genome position (GRCh38, 1-based): chrX:108,686,037, C>G. VCF-style: chrX-108686037-C-G. GRCh37 (hg19) VCF-style: chrX-107929267-C-G.
Other names: c.4205C>G, p.Thr1402Ser (NM_000495.5); short protein forms T1402S, T1408S.
Identifiers: ClinVar variation 766769 (VCV000766769.17), dbSNP rs151278542, ClinGen allele CA10489324.

ClinVar aggregate classification (germline): Benign/Likely benign. Review status: criteria provided, multiple submitters, no conflicts (2 of 4 stars). 5 submissions from 5 submitters: Benign (1); Likely benign (2). 2 of the submissions do not count toward it. Last evaluated 2026-01-28.

Conditions:
COL4A5-related disorder. Also called: COL4A5-related condition.
X-linked Alport syndrome (ATS1). Also called: NEPHROPATHY AND DEAFNESS, X-LINKED; COL4A5-Related Nephropathy. Identifiers: Orphanet 63, Orphanet 88917, MedGen C4746986, MONDO:0010520, OMIM 301050.

Allele frequency attached by ClinVar (database versions not stated): gnomAD exomes 0.00024 and 0.00082; ExAC 0.00113; 1000 Genomes Project 0.00238; 1000 Genomes Project 30x 0.00250; gnomAD 0.00265 and 0.00294; TOPMed 0.00284; ESP Exome Variant Server 0.00407.
gnomAD v4.1: 562 of 1,205,895 alleles (0.047%); highest among the groups gnomAD compares: African/African-American, 0.92%; 3 homozygotes.

Submissions (5):

Labcorp Genetics (formerly Invitae), Labcorp
Classification: Benign. Last evaluated: 2026-01-28. Review status: criteria provided, single submitter. Criteria: Invitae Variant Classification Sherloc (09022015). Collection method: clinical testing. Allele origin: germline.

Blueprint Genetics
Classification: Likely benign. Last evaluated: 2024-06-28. Review status: criteria provided, single submitter. Criteria: ACMG Guidelines, 2015. Collection method: clinical testing. Allele origin: germline.

GeneDx
Classification: Likely benign. Last evaluated: 2020-06-09. Review status: criteria provided, single submitter. Criteria: GeneDx Variant Classification Process June 2021. Collection method: clinical testing. Allele origin: germline. Affected: yes.

PreventionGenetics, part of Exact Sciences
Classification: Benign for COL4A5-related condition. Last evaluated: 2019-11-20. Review status: no assertion criteria provided. Collection method: clinical testing. Allele origin: germline. Not counted in ClinVar's aggregate classification.
Comment: This variant is classified as benign based on ACMG/AMP sequence variant interpretation guidelines (Richards et al. 2015 PMID: 25741868, with internal and published modifications).

Natera, Inc.
Classification: Benign for X-linked Alport syndrome. Last evaluated: 2019-11-11. Review status: no assertion criteria provided. Collection method: clinical testing. Allele origin: germline. Not counted in ClinVar's aggregate classification.